The following is an entry in ClinVar:

ClinVar aggregate classification (germline): Uncertain significance. Review status: criteria provided, multiple submitters, no conflicts (2 of 4 stars). 2 submissions from 2 submitters: Uncertain significance (2). Last evaluated 2021-09-02.

Conditions:
Combined immunodeficiency with skin granulomas. Identifiers: Orphanet 157949, MedGen C2673536, MONDO:0009306, OMIM 233650.
Severe combined immunodeficiency, autosomal recessive, T cell-negative, B cell-negative, NK cell-positive. Also called: Severe combined immunodeficiency due to complete RAG1/2 deficiency; SCID, T CELL-NEGATIVE, B CELL-NEGATIVE, NK CELL-POSITIVE; SCID, AR, T-cell negative, B-cell negative, NK cell-positive. Identifiers: Orphanet 331206, MedGen C1832322, MONDO:0011086, OMIM 601457.

Allele frequency attached by ClinVar (database versions not stated): gnomAD exomes 0.00001 and 0.00002; ExAC 0.00002; gnomAD 0.00003 and 0.00004; TOPMed 0.00003; 1000 Genomes Project 0.00040; 1000 Genomes Project 30x 0.00047.
gnomAD v4.1: 10 of 1,614,226 alleles (0.00062%); highest among the groups gnomAD compares: African/African-American, 0.012%; no homozygotes.

Submissions (2):

Labcorp Genetics (formerly Invitae), Labcorp
Classification: Uncertain significance for Combined immunodeficiency with skin granulomas; Severe combined immunodeficiency, autosomal recessive, T cell-negative, B cell-negative, NK cell-positive. Last evaluated: 2021-09-02. Review status: criteria provided, single submitter. Criteria: Invitae Variant Classification Sherloc (09022015). Collection method: clinical testing. Allele origin: germline.
Comment: This sequence change replaces isoleucine with valine at codon 749 of the RAG1 protein (p.Ile749Val). The isoleucine residue is highly conserved and there is a small physicochemical difference between isoleucine and valine. This variant is present in population databases (rs542851147, ExAC 0.03%). This variant has not been reported in the literature in individuals affected with RAG1-related conditions. Advanced modeling of protein sequence and biophysical properties (such as structural, functional, and spatial information, amino acid conservation, physicochemical variation, residue mobility, and thermodynamic stability) performed at Invitae indicates that this missense variant is not expected to disrupt RAG1 protein function. In summary, the available evidence is currently insufficient to determine the role of this variant in disease. Therefore, it has been classified as a Variant of Uncertain Significance.

Blueprint Genetics
Classification: Uncertain significance. Last evaluated: 2020-09-11. Review status: criteria provided, single submitter. Criteria: ACMG Guidelines, 2015. Collection method: clinical testing. Allele origin: germline.

NM_000448.3(RAG1):c.2245A>G (p.Ile749Val)

Gene: RAG1 (recombination activating 1; plus strand). Cytogenetic location: 11p12.
Variant type: single nucleotide variant.
Coding change: c.2245A>G on transcript NM_000448.3 (MANE Select); coding-DNA position 2245, A replaced by G.
Protein change: p.Ile749Val; replaces isoleucine 749 with valine.
Molecular consequence: missense variant.
Genome position (GRCh38, 1-based): chr11:36,575,549, A>G. VCF-style: chr11-36575549-A-G. GRCh37 (hg19) VCF-style: chr11-36597099-A-G.
Other names: c.2245A>G, p.Ile749Val (NM_001377277.1, NM_001377278.1, NM_001377279.1 and 1 more transcripts); short protein forms I749V.
Identifiers: ClinVar variation 1423633 (VCV001423633.6), dbSNP rs542851147, ClinGen allele CA5950233.